The following is an entry in ClinVar:

ClinVar aggregate classification (germline): Uncertain significance. Review status: reviewed by expert panel (3 of 4 stars). 3 submissions from 3 submitters: Uncertain significance (1). 2 of the submissions do not count toward it. Last evaluated 2024-11-27.

Conditions:
Monogenic diabetes. Identifiers: Orphanet 183625, MedGen C3888631, MONDO:0015967.
Maturity-onset diabetes of the young (MODY). Also called: Maturity onset diabetes mellitus in young. Identifiers: Orphanet 552, MedGen C0342276, MONDO:0018911, HP:0004904.
Maturity-onset diabetes of the young type 3. Also called: MODY type 3; MODY, type III. Identifiers: Orphanet 552, MedGen C1838100, MeSH C563933, MONDO:0010894, OMIM 600496. Disease mechanism: loss of function.

Submissions (3):

ClinGen Monogenic Diabetes Variant Curation Expert Panel
Classification: Uncertain significance for Monogenic diabetes. Last evaluated: 2024-11-27. Review status: reviewed by expert panel. Criteria: ClinGen Diabetes ACMG Specifications HNF1A V2.1.0. Collection method: curation. Allele origin: germline. Inheritance: Autosomal dominant inheritance.
Comment: The c.326+4A>G variant in the HNF1 homeobox A gene, HNF1A, alters a nucleotide two base pairs downstream of the canonical splice donor site in intron 1 of transcript NM_000545.8. The computational splicing predictor SpliceAI gives a score of 0.56 for donor loss, predicting that this variant may disrupt splicing at the intron 1 donor site of HNF1A (PP3). This variant was also identified in an individual with a clinical history highly specific for HNF1A-MODY (MODY probability calculator result >50%, negative genetic testing for HNF4A, and negative antibodies) (PP4_Moderate; PMID: 28862987). This variant is absent from gnomAD v2.1.1 (PM2_Supporting). This variant was identified in two unrelated individuals with non-autoimmune and non-absolute/near-absolute insulin-deficient diabetes; however, PS4_Moderate cannot be applied because this number is below the ClinGen MDEP threshold (PMID: 28862987, internal lab contributors). This variant segregated with diabetes with 1 informative meioses in a single family internal lab; however, this does not meet the thresholds for PP1 set by the ClinGen MDEP (PMID: 27236918, internal lab contributors). The nucleotide change c.326+4A>C, which is predicted to disrupt splicing at intron 1 to a lesser extent than c.326+4A>G, has been observed in a proband with diabetes; however, the c.326+4A>C variant has not met the criteria to be classified as pathogenic for monogenic diabetes by the ClinGen MDEP at this time (internal lab contributors). In summary, c.326+4A>G meets the criteria to be classified as a variant of uncertain significance for monogenic diabetes. ACMG/AMP criteria applied, as specified by the ClinGen MDEP (specification version 2.1.0, approved 8/11/2023): PP1, PP3, PP4_Moderate, PM2_Supporting.

Women's Health and Genetics/Laboratory Corporation of America, LabCorp
Classification: Uncertain significance for MODY3. Last evaluated: 2011-08-18. Review status: criteria provided, single submitter. Criteria: LabCorp Variant Classification Summary - May 2015. Collection method: curation, clinical testing. Allele origin: germline. Inheritance: autosomal unknown. Affected: yes. Not counted in ClinVar's aggregate classification.
ClinVar note: Converted during submission from uncertain to Uncertain significance.

Clinical Genomics, Uppaluri K&H Personalized Medicine Clinic
Classification: Likely risk allele for Maturity-onset diabetes of the young. Review status: criteria provided, single submitter. Criteria: K & H Uppaluri Personalized Medicine Clinic Variant Classification & Assertion Criteria_Updated V.1. Collection method: research. Allele origin: unknown. Inheritance: Autosomal dominant inheritance. Not counted in ClinVar's aggregate classification.
Comment: Mutations in HNF1A gene can predispose to MODY3. It is associated with both micro and macrovascular complications of diabetes, especially cardiovascular complications. Associated with glucosuria. May respond well to sulfonylureas. However, more evidence is required to confer the association of this particular variant rs193922595 with MODY3.

Literature cited by the submitters: PubMed 31517624 (cited by Clinical Genomics, Uppaluri K&H Personalized Medicine Clinic); PubMed 32395877 (cited by Clinical Genomics, Uppaluri K&H Personalized Medicine Clinic); PubMed 35328643 (cited by Clinical Genomics, Uppaluri K&H Personalized Medicine Clinic); PubMed 35673428 (cited by Clinical Genomics, Uppaluri K&H Personalized Medicine Clinic).

NM_000545.8(HNF1A):c.326+4A>G

Gene: HNF1A (HNF1 homeobox A; plus strand). Cytogenetic location: 12q24.31.
Variant type: single nucleotide variant.
Coding change: c.326+4A>G on transcript NM_000545.8 (MANE Select); 4 bases into the intron after coding-DNA position 326, A replaced by G.
Molecular consequence: intron variant.
Genome position (GRCh38, 1-based): chr12:120,979,098, A>G. VCF-style: chr12-120979098-A-G. GRCh37 (hg19) VCF-style: chr12-121416901-A-G.
Other names: c.326+4A>G (NM_001306179.2).
Identifiers: ClinVar variation 36819 (VCV000036819.8), dbSNP rs193922595, ClinGen allele CA214300.